The following is an entry in ClinVar:

ClinVar aggregate classification (germline): Uncertain significance (1 of 4 stars; one submission).

gnomAD v4.1: 2 of 1,614,206 alleles (0.00012%); highest among the groups gnomAD compares: South Asian, 0.0011%; no homozygotes.

Submission:

Dasa
Classification: Uncertain significance. Last evaluated: 2025-02-04. Review status: criteria provided, single submitter. Criteria: DASA Assertion Criteria. Collection method: clinical testing. Allele origin: germline.
Comment: NM_001904.4(CTNNB1):c.2266C>G (p.Leu756Val) is a missense variant that results in the substitution of leucine with valine. This variant is rare in population databases. Computational prediction algorithms are consistent with a benign effect. The currently available literature and clinical evidence are not sufficient to establish a definitive association between this variant and the reported condition. Therefore, this variant is classified as a variant of uncertain significance.

NM_001904.4(CTNNB1):c.2266C>G (p.Leu756Val)

Gene: CTNNB1 (catenin beta 1; plus strand). Cytogenetic location: 3p22.1.
Variant type: single nucleotide variant.
Coding change: c.2266C>G on transcript NM_001904.4 (MANE Select); coding-DNA position 2266, C replaced by G.
Protein change: p.Leu756Val; replaces leucine 756 with valine.
Molecular consequence: missense variant. On other transcripts: intron variant (2).
Genome position (GRCh38, 1-based): chr3:41,239,262, C>G. VCF-style: chr3-41239262-C-G. GRCh37 (hg19) VCF-style: chr3-41280753-C-G.
Other names: c.2266C>G, p.Leu756Val (NM_001098209.2, NM_001098210.2, NM_001438871.1 and 2 more transcripts); c.2245C>G, p.Leu749Val (NM_001330729.2); c.2077-398C>G (NM_001438874.1, NM_001438875.1); short protein forms L749V, L756V.
Identifiers: ClinVar variation 4882167 (VCV004882167.2).